The following is an entry in ClinVar:

ClinVar aggregate classification (germline): Benign. Review status: criteria provided, multiple submitters, no conflicts (2 of 4 stars). 3 submissions from 3 submitters: Benign (3). Last evaluated 2026-02-02.

Conditions:
Vitreoretinopathy. Also called: Vitreoretinal degeneration. Identifiers: MedGen C0344290, MONDO:0020248, HP:0007773.

Allele frequency attached by ClinVar (database versions not stated): gnomAD 0.01319 and 0.01242; TOPMed 0.01476; gnomAD exomes 0.00122 and 0.00292; ExAC 0.00345; 1000 Genomes Project 0.01058; 1000 Genomes Project 30x 0.01187; ESP Exome Variant Server 0.01285.
gnomAD v4.1: 3,756 of 1,613,918 alleles (0.23%); highest among the groups gnomAD compares: African/African-American, 4.4%; 88 homozygotes.

Submissions (3):

Labcorp Genetics (formerly Invitae), Labcorp
Classification: Benign. Last evaluated: 2026-02-02. Review status: criteria provided, single submitter. Criteria: Invitae Variant Classification Sherloc (09022015). Collection method: clinical testing. Allele origin: germline.

Illumina Laboratory Services, Illumina
Classification: Benign for Vitreoretinopathy. Last evaluated: 2018-01-13. Review status: criteria provided, single submitter. Criteria: ICSL Variant Classification Criteria 13 December 2019. Collection method: clinical testing. Allele origin: germline.
Comment: This variant was observed in the ICSL laboratory as part of a predisposition screen in an ostensibly healthy population. It had not been previously curated by ICSL or reported in the Human Gene Mutation Database (HGMD: prior to June 1st, 2018), and was therefore a candidate for classification through an automated scoring system. Utilizing variant allele frequency, disease prevalence and penetrance estimates, and inheritance mode, an automated score was calculated to assess if this variant is too frequent to cause the disease. Based on the score and internal cut-off values, a variant classified as benign is not then subjected to further curation. The score for this variant resulted in a classification of benign for this disease.

PreventionGenetics, part of Exact Sciences
Classification: Benign. Review status: criteria provided, single submitter. Criteria: ACMG Guidelines, 2015. Collection method: clinical testing. Allele origin: germline.

NM_004385.5(VCAN):c.5155A>T (p.Thr1719Ser)

Genes: VCAN (versican; plus strand), VCAN-AS1 (VCAN antisense RNA 1; minus strand). Cytogenetic location: 5q14.3.
Variant type: single nucleotide variant.
Coding change: c.5155A>T on transcript NM_004385.5 (MANE Select); coding-DNA position 5155, A replaced by T.
Protein change: p.Thr1719Ser; replaces threonine 1719 with serine.
Molecular consequence: missense variant. On other transcripts: intron variant (2).
Genome position (GRCh38, 1-based): chr5:83,538,158, A>T. VCF-style: chr5-83538158-A-T. GRCh37 (hg19) VCF-style: chr5-82833977-A-T.
Other names: c.2194A>T, p.Thr732Ser (NM_001164097.2); c.4004-7379A>T (NM_001164098.2); c.1043-7379A>T (NM_001126336.3); short protein forms T1719S, T732S.
Identifiers: ClinVar variation 259367 (VCV000259367.17), dbSNP rs113965318, ClinGen allele CA3333286.